The following is an entry in ClinVar:

ClinVar aggregate classification (germline): Likely pathogenic (1 of 4 stars; one submission).

Conditions:
Primary hyperoxaluria, type I (HP1). Also called: OXALOSIS I; Primary hyperoxaluria type 1; GLYCOLIC ACIDURIA; HEPATIC AGT DEFICIENCY. Identifiers: Orphanet 416, Orphanet 93598, MedGen C0268164, MONDO:0009823, OMIM 259900. Disease mechanism: loss of function.

Allele frequency attached by ClinVar (database versions not stated): ESP Exome Variant Server 0.00008.
gnomAD v4.1: 2 of 1,591,258 alleles (0.00013%); highest among the groups gnomAD compares: Non-Finnish European, 0.00017%; no homozygotes.

Submission:

Rare Kidney Stone Consortium and the Mayo Clinic Hyperoxaluria Center, Mayo Clinic
Classification: Likely pathogenic for Primary hyperoxaluria, type I. Last evaluated: 2023-10-27. Review status: criteria provided, single submitter. Criteria: ACMG Guidelines, 2015. Collection method: clinical testing. Allele origin: germline. Affected: yes.
Comment: ACMG:PM2 PM3 PM5

NM_000030.3(AGXT):c.352C>A (p.Arg118Ser)

Gene: AGXT (alanine--glyoxylate aminotransferase; plus strand). Cytogenetic location: 2q37.3.
Variant type: single nucleotide variant.
Coding change: c.352C>A on transcript NM_000030.3 (MANE Select); coding-DNA position 352, C replaced by A.
Protein change: p.Arg118Ser; replaces arginine 118 with serine.
Molecular consequence: missense variant.
Genome position (GRCh38, 1-based): chr2:240,869,356, C>A. VCF-style: chr2-240869356-C-A. GRCh37 (hg19) VCF-style: chr2-241808773-C-A.
Other names: short protein forms R118S.
Identifiers: ClinVar variation 2664121 (VCV002664121.2), dbSNP rs376844297, ClinGen allele CA2209056.